The following is an entry in ClinVar:

NC_000019.9:g.(?_1241850)_(1244436_?)del

Gene: ATP5F1D (ATP synthase F1 subunit delta; plus strand). Cytogenetic location: 19p13.3.
Variant type: Deletion.
Identifiers: ClinVar variation 2423453 (VCV002423453.4).

ClinVar aggregate classification (germline): Uncertain significance (1 of 4 stars; one submission).

Submission:

Labcorp Genetics (formerly Invitae), Labcorp
Classification: Uncertain significance. Last evaluated: 2022-09-16. Review status: criteria provided, single submitter. Criteria: Invitae Variant Classification Sherloc (09022015). Collection method: clinical testing. Allele origin: germline.
Comment: In summary, the available evidence is currently insufficient to determine the role of this variant in disease. Therefore, it has been classified as a Variant of Uncertain Significance. This variant has not been reported in the literature in individuals affected with ATP5D-related conditions. A gross deletion of the genomic region encompassing the full coding sequence of the ATP5D gene has been identified. The current clinical and genetic evidence is not sufficient to establish whether loss-of-function variants in ATP5D cause disease. The boundaries of this event are unknown as they extend beyond the assayed region for this gene and therefore may encompass additional genes.